The following is an entry in ClinVar:

ClinVar aggregate classification (germline): Uncertain significance (1 of 4 stars; one submission).

Conditions:
Hereditary nonpolyposis colorectal neoplasms. Identifiers: MedGen C0009405, MeSH D003123.

Submission:

Labcorp Genetics (formerly Invitae), Labcorp
Classification: Uncertain significance for Hereditary nonpolyposis colorectal neoplasms. Last evaluated: 2024-01-09. Review status: criteria provided, single submitter. Criteria: Invitae Variant Classification Sherloc (09022015). Collection method: clinical testing. Allele origin: germline.
Comment: This sequence change replaces isoleucine, which is neutral and non-polar, with valine, which is neutral and non-polar, at codon 172 of the MSH6 protein (p.Ile172Val). This variant is not present in population databases (gnomAD no frequency). This variant has not been reported in the literature in individuals affected with MSH6-related conditions. Advanced modeling of protein sequence and biophysical properties (such as structural, functional, and spatial information, amino acid conservation, physicochemical variation, residue mobility, and thermodynamic stability) performed at Invitae indicates that this missense variant is not expected to disrupt MSH6 protein function with a negative predictive value of 95%. In summary, the available evidence is currently insufficient to determine the role of this variant in disease. Therefore, it has been classified as a Variant of Uncertain Significance.

NM_000179.3(MSH6):c.514A>G (p.Ile172Val)

Gene: MSH6 (mutS homolog 6; plus strand). Cytogenetic location: 2p16.3.
Variant type: single nucleotide variant.
Coding change: c.514A>G on transcript NM_000179.3 (MANE Select); coding-DNA position 514, A replaced by G.
Protein change: p.Ile172Val; replaces isoleucine 172 with valine.
Molecular consequence: missense variant. On other transcripts: 5 prime UTR variant (5), non-coding transcript variant (5), intron variant (8).
Genome position (GRCh38, 1-based): chr2:47,795,950, A>G. VCF-style: chr2-47795950-A-G. GRCh37 (hg19) VCF-style: chr2-48023089-A-G.
Other names: c.-389A>G (NM_001281494.2); c.610A>G, p.Ile204Val (NM_001406795.1, NM_001406802.1); c.514A>G, p.Ile172Val (NM_001406796.1, NM_001406798.1, NM_001406817.1 and 5 more transcripts); c.217A>G, p.Ile73Val (NM_001406797.1, NM_001406818.1, NM_001406819.1 and 10 more transcripts); c.520A>G, p.Ile174Val (NM_001406813.1); c.-481A>G (NM_001406814.1); c.346A>G, p.Ile116Val (NM_001406826.1); c.-279-2661A>G (NM_001406811.1, NM_001281493.2, NM_001406812.1 and 4 more transcripts); and 3 more; short protein forms I116V, I73V, I172V, I174V, I146V, I204V.
Identifiers: ClinVar variation 2708419 (VCV002708419.3), dbSNP rs2530518008, ClinGen allele CA346738672.